The following is an entry in ClinVar:

ClinVar aggregate classification (germline): Uncertain significance. Review status: criteria provided, multiple submitters, no conflicts (2 of 4 stars). 2 submissions from 2 submitters: Uncertain significance (2). Last evaluated 2025-04-17.

Conditions:
Tuberous sclerosis 1 (TSC1). Identifiers: Orphanet 805, MedGen C1854465, MONDO:0008612, OMIM 191100.
Hereditary cancer-predisposing syndrome. Also called: Hereditary neoplastic syndrome; Hereditary Cancer Syndrome; Neoplastic Syndromes, Hereditary; Tumor predisposition. Identifiers: Orphanet 140162, MedGen C0027672, MeSH D009386, MONDO:0015356.

Submissions (2):

Ambry Genetics
Classification: Uncertain significance for Hereditary cancer-predisposing syndrome. Last evaluated: 2025-04-17. Review status: criteria provided, single submitter. Criteria: Ambry Variant Classification Scheme 2023. Collection method: clinical testing. Allele origin: germline.
Comment: The p.Q550L variant (also known as c.1649A>T), located in coding exon 13 of the TSC1 gene, results from an A to T substitution at nucleotide position 1649. The glutamine at codon 550 is replaced by leucine, an amino acid with dissimilar properties. This amino acid position is conserved. In addition, the in silico prediction for this alteration is inconclusive. Based on the available evidence, the clinical significance of this variant remains unclear.

Labcorp Genetics (formerly Invitae), Labcorp
Classification: Uncertain significance for Tuberous sclerosis 1. Last evaluated: 2023-09-18. Review status: criteria provided, single submitter. Criteria: Invitae Variant Classification Sherloc (09022015). Collection method: clinical testing. Allele origin: germline.
Comment: Advanced modeling of protein sequence and biophysical properties (such as structural, functional, and spatial information, amino acid conservation, physicochemical variation, residue mobility, and thermodynamic stability) performed at Invitae indicates that this missense variant is not expected to disrupt TSC1 protein function. In summary, the available evidence is currently insufficient to determine the role of this variant in disease. Therefore, it has been classified as a Variant of Uncertain Significance. This variant has not been reported in the literature in individuals affected with TSC1-related conditions. This variant is not present in population databases (gnomAD no frequency). This sequence change replaces glutamine, which is neutral and polar, with leucine, which is neutral and non-polar, at codon 550 of the TSC1 protein (p.Gln550Leu).

NM_000368.5(TSC1):c.1649A>T (p.Gln550Leu)

Gene: TSC1 (TSC complex subunit 1; minus strand). Cytogenetic location: 9q34.13.
Variant type: single nucleotide variant.
Coding change: c.1649A>T on transcript NM_000368.5 (MANE Select); coding-DNA position 1649, A replaced by T.
Protein change: p.Gln550Leu; replaces glutamine 550 with leucine.
Molecular consequence: missense variant. On other transcripts: non-coding transcript variant (5).
Genome position (GRCh38, 1-based): chr9:132,905,929, T>A on the plus strand (A>T on the coding strand, the complement: TSC1 is on the minus strand). VCF-style: chr9-132905929-T-A. GRCh37 (hg19) VCF-style: chr9-135781316-T-A.
Other names: c.1646A>T, p.Gln549Leu (NM_001162426.2, NM_001406608.1, NM_001406609.1 and 6 more transcripts); c.1496A>T, p.Gln499Leu (NM_001162427.2, NM_001406610.1); c.1286A>T, p.Gln429Leu (NM_001362177.2, NM_001406624.1, NM_001406614.1 and 5 more transcripts); c.1649A>T, p.Gln550Leu (NM_001406592.1, NM_001406593.1, NM_001406594.1 and 7 more transcripts); c.1493A>T, p.Gln498Leu (NM_001406611.1, NM_001406612.1, NM_001406613.1); c.1283A>T, p.Gln428Leu (NM_001406625.1, NM_001406620.1, NM_001406621.1 and 2 more transcripts); c.698A>T, p.Gln233Leu (NM_001406626.1); c.695A>T, p.Gln232Leu (NM_001406627.1, NM_001406628.1); and 1 more; short protein forms Q428L, Q499L, Q498L, Q549L, Q199L, Q232L, Q233L, Q429L.
Identifiers: ClinVar variation 2862486 (VCV002862486.4), dbSNP rs2131835419, ClinGen allele CA375364459.